The following is an entry in ClinVar:

ClinVar aggregate classification (germline): Benign/Likely benign. Review status: criteria provided, multiple submitters, no conflicts (2 of 4 stars). 2 submissions from 2 submitters: Benign (1); Likely benign (1). Last evaluated 2026-06-01.

Allele frequency attached by ClinVar (database versions not stated): ESP Exome Variant Server 0.00077; 1000 Genomes Project 0.00080; gnomAD 0.00093 and 0.00105; TOPMed 0.00112; gnomAD exomes 0.00198; ExAC 0.00207.
gnomAD v4.1: 2,384 of 1,613,614 alleles (0.15%); highest among the groups gnomAD compares: Middle Eastern, 1.7%; 20 homozygotes.

Submissions (2):

CeGaT Center for Human Genetics Tuebingen
Classification: Likely benign. Last evaluated: 2026-06-01. Review status: criteria provided, single submitter. Criteria: CeGaT Center For Human Genetics Tuebingen Variant Classification Criteria Version 2. Collection method: clinical testing. Allele origin: germline. Affected: yes. Observed: 6 variant alleles.
Comment: ERAP1: BP4, BP7, BS2

Labcorp Genetics (formerly Invitae), Labcorp
Classification: Benign. Last evaluated: 2018-07-31. Review status: criteria provided, single submitter. Criteria: Invitae Variant Classification Sherloc (09022015). Collection method: clinical testing. Allele origin: germline.

NM_001040458.3(ERAP1):c.171C>T (p.Tyr57=)

Gene: ERAP1 (endoplasmic reticulum aminopeptidase 1; minus strand). Cytogenetic location: 5q15.
Variant type: single nucleotide variant.
Coding change: c.171C>T on transcript NM_001040458.3 (MANE Select); coding-DNA position 171, C replaced by T.
Protein change: p.Tyr57=; no amino-acid change (tyrosine 57 retained).
Molecular consequence: synonymous variant.
Genome position (GRCh38, 1-based): chr5:96,803,756, G>A on the plus strand (C>T on the coding strand, the complement: ERAP1 is on the minus strand). VCF-style: chr5-96803756-G-A. GRCh37 (hg19) VCF-style: chr5-96139459-G-A.
Other names: c.171C>T, p.Tyr57= (NM_001198541.3, NM_001349244.2, NM_016442.5).
Identifiers: ClinVar variation 791446 (VCV000791446.32), dbSNP rs145825678, ClinGen allele CA3352624.